The following is an entry in ClinVar:

ClinVar aggregate classification (germline): Uncertain significance (1 of 4 stars; one submission).

Conditions:
Leukocyte adhesion deficiency type II. Also called: CONGENITAL DISORDER OF GLYCOSYLATION, TYPE IIc; Congenital disorder of glycosylation type 2C; CDG 2C; Leukocyte adhesion deficiency type 2; Rambam Hasharon syndrome; CDG IIc. Identifiers: Orphanet 2968, Orphanet 99843, MedGen C0398739, MONDO:0009953, OMIM 266265.

Allele frequency attached by ClinVar (database versions not stated): gnomAD exomes below 0.00001; TOPMed below 0.00001.

Submission:

Labcorp Genetics (formerly Invitae), Labcorp
Classification: Uncertain significance for Leukocyte adhesion deficiency type II. Last evaluated: 2020-11-23. Review status: criteria provided, single submitter. Criteria: Invitae Variant Classification Sherloc (09022015). Collection method: clinical testing. Allele origin: germline.
Comment: In summary, the available evidence is currently insufficient to determine the role of this variant in disease. Therefore, it has been classified as a Variant of Uncertain Significance. Algorithms developed to predict the effect of missense changes on protein structure and function (SIFT, PolyPhen-2, Align-GVGD) all suggest that this variant is likely to be tolerated, but these predictions have not been confirmed by published functional studies and their clinical significance is uncertain. This variant has not been reported in the literature in individuals with SLC35C1-related conditions. This variant is not present in population databases (ExAC no frequency). This sequence change replaces alanine with valine at codon 259 of the SLC35C1 protein (p.Ala259Val). The alanine residue is weakly conserved and there is a small physicochemical difference between alanine and valine.

NM_018389.5(SLC35C1):c.776C>T (p.Ala259Val)

Gene: SLC35C1 (solute carrier family 35 member C1; plus strand). Cytogenetic location: 11p11.2.
Variant type: single nucleotide variant.
Coding change: c.776C>T on transcript NM_018389.5 (MANE Select); coding-DNA position 776, C replaced by T.
Protein change: p.Ala259Val; replaces alanine 259 with valine.
Molecular consequence: missense variant.
Genome position (GRCh38, 1-based): chr11:45,811,016, C>T. VCF-style: chr11-45811016-C-T. GRCh37 (hg19) VCF-style: chr11-45832567-C-T.
Other names: c.737C>T, p.Ala246Val (NM_001145265.2, NM_001145266.2); short protein forms A259V, A246V.
Identifiers: ClinVar variation 1414513 (VCV001414513.7), dbSNP rs1159038048, ClinGen allele CA380206062.